The following is an entry in ClinVar:

NM_016013.4(NDUFAF1):c.850T>G (p.Phe284Val)

Gene: NDUFAF1 (NADH:ubiquinone oxidoreductase complex assembly factor 1; minus strand). Cytogenetic location: 15q15.1.
Variant type: single nucleotide variant.
Coding change: c.850T>G on transcript NM_016013.4 (MANE Select); coding-DNA position 850, T replaced by G.
Protein change: p.Phe284Val; replaces phenylalanine 284 with valine.
Molecular consequence: missense variant. On other transcripts: non-coding transcript variant (3).
Genome position (GRCh38, 1-based): chr15:41,387,578, A>C on the plus strand (T>G on the coding strand, the complement: NDUFAF1 is on the minus strand). VCF-style: chr15-41387578-A-C. GRCh37 (hg19) VCF-style: chr15-41679776-A-C.
Other names: c.850T>G, p.Phe284Val (NM_001437486.1, NM_001437487.1); c.837T>G, p.Asp279Glu (NM_001437488.1, NM_001437489.1, NM_001437490.1); short protein forms F284V, D279E.
Identifiers: ClinVar variation 4742801 (VCV004742801.1).

ClinVar aggregate classification (germline): Uncertain significance (1 of 4 stars; one submission).

Submission:

Labcorp Genetics (formerly Invitae), Labcorp
Classification: Uncertain significance. Last evaluated: 2025-10-23. Review status: criteria provided, single submitter. Criteria: Invitae Variant Classification Sherloc (09022015). Collection method: clinical testing. Allele origin: germline.
Comment: This sequence change replaces phenylalanine, which is neutral and non-polar, with valine, which is neutral and non-polar, at codon 284 of the NDUFAF1 protein (p.Phe284Val). This variant is not present in population databases (gnomAD no frequency). This variant has not been reported in the literature in individuals affected with NDUFAF1-related conditions. Invitae Evidence Modeling of protein sequence and biophysical properties (such as structural, functional, and spatial information, amino acid conservation, physicochemical variation, residue mobility, and thermodynamic stability) indicates that this missense variant is not expected to disrupt NDUFAF1 protein function with a negative predictive value of 80%. In summary, the available evidence is currently insufficient to determine the role of this variant in disease. Therefore, it has been classified as a Variant of Uncertain Significance.